The following is an entry in ClinVar:

ClinVar aggregate classification (germline): Uncertain significance (1 of 4 stars; one submission).

Conditions:
Hajdu-Cheney syndrome (HJCYS). Also called: ACROOSTEOLYSIS WITH OSTEOPOROSIS AND CHANGES IN SKULL AND MANDIBLE; Acroosteolysis dominant type; SERPENTINE FIBULA-POLYCYSTIC KIDNEY SYNDROME. Identifiers: Orphanet 955, MedGen C0917715, MONDO:0007057, OMIM 102500.

Allele frequency attached by ClinVar (database versions not stated): gnomAD 0.00001.
gnomAD v4.1: 1 of 1,613,904 alleles (0.000062%); highest among the groups gnomAD compares: Non-Finnish European, 0.000085%; no homozygotes.

Submission:

Labcorp Genetics (formerly Invitae), Labcorp
Classification: Uncertain significance for Hajdu-Cheney syndrome. Last evaluated: 2023-11-28. Review status: criteria provided, single submitter. Criteria: Invitae Variant Classification Sherloc (09022015). Collection method: clinical testing. Allele origin: germline.
Comment: This sequence change replaces proline, which is neutral and non-polar, with leucine, which is neutral and non-polar, at codon 2371 of the NOTCH2 protein (p.Pro2371Leu). This variant is present in population databases (no rsID available, gnomAD 0.007%). This variant has not been reported in the literature in individuals affected with NOTCH2-related conditions. Advanced modeling of protein sequence and biophysical properties (such as structural, functional, and spatial information, amino acid conservation, physicochemical variation, residue mobility, and thermodynamic stability) performed at Invitae indicates that this missense variant is not expected to disrupt NOTCH2 protein function with a negative predictive value of 80%. In summary, the available evidence is currently insufficient to determine the role of this variant in disease. Therefore, it has been classified as a Variant of Uncertain Significance.

NM_024408.4(NOTCH2):c.7112C>T (p.Pro2371Leu)

Gene: NOTCH2 (notch receptor 2; minus strand). Cytogenetic location: 1p12.
Variant type: single nucleotide variant.
Coding change: c.7112C>T on transcript NM_024408.4 (MANE Select); coding-DNA position 7112, C replaced by T.
Protein change: p.Pro2371Leu; replaces proline 2371 with leucine.
Molecular consequence: missense variant.
Genome position (GRCh38, 1-based): chr1:119,915,610, G>A on the plus strand (C>T on the coding strand, the complement: NOTCH2 is on the minus strand). VCF-style: chr1-119915610-G-A. GRCh37 (hg19) VCF-style: chr1-120458233-G-A.
Other names: short protein forms P2371L.
Identifiers: ClinVar variation 2768810 (VCV002768810.3), dbSNP rs1166857688, ClinGen allele CA341873360.